The following is an entry in ClinVar:

ClinVar aggregate classification (germline): Uncertain significance (1 of 4 stars; one submission).

Submission:

GeneDx
Classification: Uncertain significance. Last evaluated: 2024-12-18. Review status: criteria provided, single submitter. Criteria: GeneDx Variant Classification Process June 2021. Collection method: clinical testing. Allele origin: germline. Affected: yes.
Comment: Not observed at significant frequency in large population cohorts (gnomAD); In silico analysis indicates that this missense variant does not alter protein structure/function; Has not been previously published as pathogenic or benign to our knowledge

NM_004606.5(TAF1):c.5224A>G (p.Ile1742Val)

Gene: TAF1 (TATA-box binding protein associated factor 1; plus strand). Cytogenetic location: Xq13.1.
Variant type: single nucleotide variant.
Coding change: c.5224A>G on transcript NM_004606.5 (MANE Select); coding-DNA position 5224, A replaced by G.
Protein change: p.Ile1742Val; replaces isoleucine 1742 with valine.
Molecular consequence: missense variant. On other transcripts: non-coding transcript variant (9).
Genome position (GRCh38, 1-based): chrX:71,460,628, A>G. VCF-style: chrX-71460628-A-G. GRCh37 (hg19) VCF-style: chrX-70680478-A-G.
Other names: c.5230A>G, p.Ile1744Val (NM_001286074.2); c.5161A>G, p.Ile1721Val (NM_138923.4); short protein forms I1721V, I1742V, I1744V.
Identifiers: ClinVar variation 3906755 (VCV003906755.1).